The following is an entry in ClinVar:

ClinVar aggregate classification (germline): Uncertain significance (1 of 4 stars; one submission).

Submission:

Labcorp Genetics (formerly Invitae), Labcorp
Classification: Uncertain significance. Last evaluated: 2024-06-26. Review status: criteria provided, single submitter. Criteria: Invitae Variant Classification Sherloc (09022015). Collection method: clinical testing. Allele origin: germline.
Comment: This sequence change replaces threonine, which is neutral and polar, with serine, which is neutral and polar, at codon 214 of the KMT2E protein (p.Thr214Ser). This variant is not present in population databases (gnomAD no frequency). This variant has not been reported in the literature in individuals affected with KMT2E-related conditions. Advanced modeling of protein sequence and biophysical properties (such as structural, functional, and spatial information, amino acid conservation, physicochemical variation, residue mobility, and thermodynamic stability) performed at Invitae indicates that this missense variant is not expected to disrupt KMT2E protein function with a negative predictive value of 80%. In summary, the available evidence is currently insufficient to determine the role of this variant in disease. Therefore, it has been classified as a Variant of Uncertain Significance.

NM_182931.3(KMT2E):c.641C>G (p.Thr214Ser)

Gene: KMT2E (lysine methyltransferase 2E (inactive); plus strand). Cytogenetic location: 7q22.3.
Variant type: single nucleotide variant.
Coding change: c.641C>G on transcript NM_182931.3 (MANE Select); coding-DNA position 641, C replaced by G.
Protein change: p.Thr214Ser; replaces threonine 214 with serine.
Molecular consequence: missense variant.
Genome position (GRCh38, 1-based): chr7:105,074,727, C>G. VCF-style: chr7-105074727-C-G. GRCh37 (hg19) VCF-style: chr7-104715174-C-G.
Other names: c.641C>G, p.Thr214Ser (NM_001410908.1, NM_018682.4); short protein forms T214S.
Identifiers: ClinVar variation 3631382 (VCV003631382.2).